The following is an entry in ClinVar:

ClinVar aggregate classification (germline): Pathogenic. Review status: reviewed by expert panel (3 of 4 stars). 2 submissions from 2 submitters: Pathogenic (1). 1 of the submissions does not count toward it. Last evaluated 2023-11-13.

Conditions:
Hereditary thrombocytopenia and hematologic cancer predisposition syndrome. Identifiers: Orphanet 71290, MedGen CN281654, MONDO:0011071.

Submissions (2):

ClinGen Myeloid Malignancy Variant Curation Expert Panel
Classification: Pathogenic for Hereditary thrombocytopenia and hematologic cancer predisposition syndrome. Last evaluated: 2023-11-13. Review status: reviewed by expert panel. Criteria: ClinGen MyeloMalig ACMG Specifications v2. Collection method: curation. Allele origin: germline. Inheritance: Autosomal dominant inheritance.
Comment: The c.489dup (p.Val164Cysfs*49) variant in RUNX1 is a frameshift duplication predicted to cause a premature stop codon in biologically-relevant exon 7/9 leading to nonsense-mediated decay in a gene in which loss-of-function is an established disease mechanism (PVS1). The variant is absent from gnomAD v2 and v3 with a mean coverage of at least 20X (PM2_Supporting). Regardless, there are 25 nonsense/frameshift variants classified as pathogenic by the MM-VCEP in exons 3-7 (two per exon) with sufficient molecular and specific clinical data (PMID: 35764482) (PM5_Supporting). In summary, this variant meets the criteria to be classified as pathogenic for hereditary thrombocytopenia and hematologic cancer predisposition syndrome based on the ACMG/AMP criteria applied, as specified by the ClinGen Myeloid Malignancy VCEP: PVS1, PM2_Supporting, and PM5_Supporting.

GeneDx
Classification: Pathogenic. Last evaluated: 2024-07-15. Review status: criteria provided, single submitter. Criteria: GeneDx Variant Classification Process June 2021. Collection method: clinical testing. Allele origin: germline. Affected: yes. Not counted in ClinVar's aggregate classification.
Comment: Frameshift variant predicted to result in protein truncation or nonsense mediated decay in a gene for which loss-of-function is a known mechanism of disease; Not observed at significant frequency in large population cohorts (gnomAD); Observed in individuals with thrombocytopenia and/or myelodysplastic syndrome referred for genetic testing at GeneDx or in published literature and (PMID: 32804409); This variant is associated with the following publications: (PMID: 35884491, 32804409)

NM_001754.5(RUNX1):c.489dup (p.Val164fs)

Genes: RUNX1 (RUNX family transcription factor 1; minus strand), RUNX1-AS1 (RUNX1 antisense RNA 1; plus strand). Cytogenetic location: 21q22.12.
Variant type: Duplication.
Coding change: c.489dup on transcript NM_001754.5 (MANE Select); coding-DNA position 489, one base duplicated (T; older notation c.489dupT).
Protein change: p.Val164fs; shifts the reading frame from valine 164.
Molecular consequence: frameshift variant.
Genome position (GRCh38, 1-based): chr21:34,880,576, A duplicated on the plus strand (T on the coding strand, the reverse complement: RUNX1 is on the minus strand); the first of 3 consecutive A bases (chr21:34,880,576-34,880,578); duplicating any one gives the same sequence. VCF-style (leftmost placement, unchanged base first): chr21-34880575-C-CA. GRCh37 (hg19) VCF-style: chr21-36252872-C-CA.
Other names: NM_001754.5(RUNX1):c.489dup; p.Val164fs; c.408dup, p.Val137fs (NM_001001890.3, NM_001122607.2); c.489dup (NM_001754.4); short protein forms V137fs, V164fs.
Identifiers: ClinVar variation 1704949 (VCV001704949.4), dbSNP rs2517437126, ClinGen allele CA2579914604.